The following is an entry in ClinVar:

ClinVar aggregate classification (germline): Benign/Likely benign. Review status: criteria provided, multiple submitters, no conflicts (2 of 4 stars). 20 submissions from 20 submitters: Benign (11); Likely benign (4). 5 of the submissions do not count toward it. Last evaluated 2026-08-01.

Conditions:
Hereditary cancer-predisposing syndrome. Also called: Neoplastic Syndromes, Hereditary; Tumor predisposition; Hereditary Cancer Syndrome; Hereditary neoplastic syndrome. Identifiers: Orphanet 140162, MedGen C0027672, MeSH D009386, MONDO:0015356.
POLD1-related polyposis and colorectal cancer syndrome (CRCS10). Also called: Colorectal cancer 10; COLORECTAL CANCER, SUSCEPTIBILITY TO, ON CHROMOSOME 19q; Colorectal cancer, susceptibility to, 10. Identifiers: Orphanet 220460, MedGen C2675481, MONDO:0012953, OMIM 612591.
Immunodeficiency 120. Identifiers: MedGen C5935622, MONDO:0970994, OMIM 620836.
Mandibular hypoplasia-deafness-progeroid syndrome. Also called: Mandibular hypoplasia, deafness, progeroid features, and lipodystrophy syndrome. Identifiers: Orphanet 363649, MedGen C3715192, MONDO:0014157, OMIM 615381.

Allele frequency attached by ClinVar (database versions not stated): gnomAD exomes 0.00080 and 0.00184; ExAC 0.00173; 1000 Genomes Project 30x 0.00297; 1000 Genomes Project 0.00300; ESP Exome Variant Server 0.00369; gnomAD 0.00452 and 0.00486; TOPMed 0.00498.
gnomAD v4.1: 1,949 of 1,613,918 alleles (0.12%); highest among the groups gnomAD compares: African/African-American, 1.4%; 12 homozygotes.

Submissions (20):

CeGaT Center for Human Genetics Tuebingen
Classification: Likely benign. Last evaluated: 2026-08-01. Review status: criteria provided, single submitter. Criteria: CeGaT Center For Human Genetics Tuebingen Variant Classification Criteria Version 2. Collection method: clinical testing. Allele origin: germline. Affected: yes. Observed: 11 variant alleles.
Comment: POLD1: BP4, BP7, BS1

Labcorp Genetics (formerly Invitae), Labcorp
Classification: Benign for POLD1-related polyposis and colorectal cancer syndrome. Last evaluated: 2026-02-04. Review status: criteria provided, single submitter. Criteria: Invitae Variant Classification Sherloc (09022015). Collection method: clinical testing. Allele origin: germline.

ARUP Laboratories, Molecular Genetics and Genomics, ARUP Laboratories
Classification: Benign. Last evaluated: 2025-04-09. Review status: criteria provided, single submitter. Criteria: ARUP Molecular Germline Variant Investigation Process 2024. Collection method: clinical testing. Allele origin: germline.

Center for Genomic Medicine, Rigshospitalet, Copenhagen University Hospital
Classification: Benign. Last evaluated: 2025-03-04. Review status: criteria provided, single submitter. Criteria: ACMG Guidelines, 2015. Collection method: clinical testing. Allele origin: germline.

Myriad Genetics, Inc.
Classification: Benign for POLD1-related polyposis and colorectal cancer syndrome. Last evaluated: 2025-02-06. Review status: criteria provided, single submitter. Criteria: Myriad Autosomal Dominant, Autosomal Recessive and X-Linked Classification Criteria (2023). Collection method: clinical testing. Allele origin: unknown.
Comment: This variant is considered benign. This variant is a silent/synonymous amino acid change and it is not expected to impact splicing.

Blueprint Genetics
Classification: Likely benign. Last evaluated: 2024-11-26. Review status: criteria provided, single submitter. Criteria: ACMG Guidelines, 2015. Collection method: clinical testing. Allele origin: germline.

KCCC/NGS Laboratory, Kuwait Cancer Control Center
Classification: Benign for POLD1-related polyposis and colorectal cancer syndrome. Last evaluated: 2023-07-07. Review status: criteria provided, single submitter. Criteria: ACMG Guidelines, 2015. Collection method: clinical testing. Allele origin: germline. Affected: yes.

Department of Pathology and Laboratory Medicine, Sinai Health System
Classification: Benign for POLD1-related polyposis and colorectal cancer syndrome; Mandibular hypoplasia-deafness-progeroid syndrome; Immunodeficiency 120. Last evaluated: 2022-09-09. Review status: criteria provided, single submitter. Criteria: ACMG Guidelines, 2015. Collection method: clinical testing. Allele origin: germline. Affected: no.

Quest Diagnostics Nichols Institute San Juan Capistrano
Classification: Benign. Last evaluated: 2022-07-02. Review status: criteria provided, single submitter. Criteria: Quest Diagnostics criteria. Collection method: clinical testing. Allele origin: unknown.

Genetic Services Laboratory, University of Chicago
Classification: Benign. Last evaluated: 2019-01-18. Review status: criteria provided, single submitter. Criteria: ACMG Guidelines, 2015. Collection method: clinical testing. Allele origin: germline. Affected: no.

Women's Health and Genetics/Laboratory Corporation of America, LabCorp
Classification: Benign. Last evaluated: 2018-08-27. Review status: criteria provided, single submitter. Criteria: LabCorp Variant Classification Summary - May 2015. Collection method: clinical testing. Allele origin: germline.
Comment: Variant summary: POLD1 c.1275C>T alters a non-conserved nucleotide resulting in a synonymous change. 5/5 computational tools predict no significant impact on normal splicing. However, these predictions have yet to be confirmed by functional studies. The variant allele was found at a frequency of 0.0021 in 277016 control chromosomes in the gnomAD database, including 2 homozygotes. The observed variant frequency is approximately 147-fold of the estimated maximal expected allele frequency for a pathogenic variant in POLD1 causing Colorectal Cancer phenotype (1.4e-05), strongly suggesting that the variant is benign. To our knowledge, no occurrence of c.1275C>T in individuals affected with Colorectal Cancer and no experimental evidence demonstrating its impact on protein function have been reported. Four clinical diagnostic laboratories have submitted clinical-significance assessments for this variant to ClinVar after 2014 without evidence for independent evaluation. All laboratories classified the variant as benign/likely benign. Based on the evidence outlined above, the variant was classified as benign.

GeneDx
Classification: Likely benign. Last evaluated: 2017-11-21. Review status: criteria provided, single submitter. Criteria: GeneDx Variant Classification (06012015). Collection method: clinical testing. Allele origin: germline. Affected: yes.
Comment: This variant is considered likely benign or benign based on one or more of the following criteria: it is a conservative change, it occurs at a poorly conserved position in the protein, it is predicted to be benign by multiple in silico algorithms, and/or has population frequency not consistent with disease.

PreventionGenetics, part of Exact Sciences
Classification: Benign. Last evaluated: 2017-09-27. Review status: criteria provided, single submitter. Criteria: ACMG Guidelines, 2015. Collection method: clinical testing. Allele origin: germline.

Ambry Genetics
Classification: Benign for Hereditary cancer-predisposing syndrome. Last evaluated: 2015-05-21. Review status: criteria provided, single submitter. Criteria: Ambry Variant Classification Scheme 2023. Collection method: clinical testing. Allele origin: germline.

Breakthrough Genomics
Classification: Likely benign. Review status: criteria provided, single submitter. Criteria: ACMG Guidelines, 2015. Collection method: not provided. Allele origin: germline. Inheritance: Autosomal dominant inheritance. Affected: yes.

Clinical Genetics, Academic Medical Center
Classification: Benign. Review status: no assertion criteria provided. Collection method: clinical testing. Allele origin: germline. Affected: yes. Study: VKGL Data-share Consensus. Not counted in ClinVar's aggregate classification.

Genome Diagnostics Laboratory, Amsterdam University Medical Center
Classification: Benign. Review status: no assertion criteria provided. Collection method: clinical testing. Allele origin: germline. Affected: yes. Study: VKGL Data-share Consensus. Not counted in ClinVar's aggregate classification.

Genome Diagnostics Laboratory, University Medical Center Utrecht
Classification: Benign. Review status: no assertion criteria provided. Collection method: clinical testing. Allele origin: germline. Affected: yes. Study: VKGL Data-share Consensus. Not counted in ClinVar's aggregate classification.

Joint Genome Diagnostic Labs from Nijmegen and Maastricht, Radboudumc and MUMC+
Classification: Benign. Review status: no assertion criteria provided. Collection method: clinical testing. Allele origin: germline. Affected: yes. Study: VKGL Data-share Consensus. Not counted in ClinVar's aggregate classification.

Laboratory of Diagnostic Genome Analysis, Leiden University Medical Center (LUMC)
Classification: Benign. Review status: no assertion criteria provided. Collection method: clinical testing. Allele origin: germline. Affected: yes. Study: VKGL Data-share Consensus. Not counted in ClinVar's aggregate classification.

NM_002691.4(POLD1):c.1275C>T (p.Ala425=)

Gene: POLD1 (DNA polymerase delta 1, catalytic subunit; plus strand). Cytogenetic location: 19q13.33.
Variant type: single nucleotide variant.
Coding change: c.1275C>T on transcript NM_002691.4 (MANE Select); coding-DNA position 1275, C replaced by T.
Protein change: p.Ala425=; no amino-acid change (alanine 425 retained).
Molecular consequence: synonymous variant. On other transcripts: non-coding transcript variant (1).
Genome position (GRCh38, 1-based): chr19:50,406,214, C>T. VCF-style: chr19-50406214-C-T. GRCh37 (hg19) VCF-style: chr19-50909471-C-T.
Other names: c.1275C>T, p.Ala425= (NM_001256849.1, NM_001308632.1).
Identifiers: ClinVar variation 220965 (VCV000220965.67), dbSNP rs3219392, ClinGen allele CA348903.